The following is an entry in ClinVar:

ClinVar aggregate classification (germline): Conflicting classifications of pathogenicity. Review status: criteria provided, conflicting classifications (1 of 4 stars). 2 submissions from 2 submitters: Uncertain significance (1); Likely benign (1). Last evaluated 2024-05-28.

Conditions:
Familial thoracic aortic aneurysm and aortic dissection (TAAD). Also called: Thoracic aortic aneurysms and dissections. Identifiers: Orphanet 91387, MedGen C4707243, MONDO:0019625.
Aortic aneurysm, familial thoracic 4 (AAT4). Also called: AORTIC ANEURYSM/AORTIC DISSECTION AND PATENT DUCTUS ARTERIOSUS. Identifiers: MedGen C1851504, MONDO:0007568, OMIM 132900.

Submissions (2):

Labcorp Genetics (formerly Invitae), Labcorp
Classification: Likely benign for Aortic aneurysm, familial thoracic 4. Last evaluated: 2024-05-28. Review status: criteria provided, single submitter. Criteria: Invitae Variant Classification Sherloc (09022015). Collection method: clinical testing. Allele origin: germline.

Color Diagnostics, LLC DBA Color Health
Classification: Uncertain significance for Familial thoracic aortic aneurysm and aortic dissection. Last evaluated: 2019-07-19. Review status: criteria provided, single submitter. Criteria: ACMG Guidelines, 2015. Collection method: clinical testing. Allele origin: germline.
Comment: This variant is located in intron 2 of the MYH11 gene. Computational splicing tools and conservation analyses are inconclusive regarding the impact of this variant on RNA splicing. To our knowledge, functional assays have not been performed for this variant nor has this variant been reported in individuals affected with cardiovascular disorders in the literature. This variant has not been identified in the general population by the Genome Aggregation Database (gnomAD). Available evidence is insufficient to determine the role of this variant in disease conclusively. Therefore, this variant is classified as a Variant of Uncertain Significance.

NM_002474.3(MYH11):c.346-12C>A

Gene: MYH11 (myosin heavy chain 11; minus strand). Cytogenetic location: 16p13.11.
Variant type: single nucleotide variant.
Coding change: c.346-12C>A on transcript NM_002474.3 (MANE Select); 12 bases into the intron before coding-DNA position 346, C replaced by A.
Molecular consequence: intron variant.
Genome position (GRCh38, 1-based): chr16:15,823,423, G>T on the plus strand (C>A on the coding strand, the complement: MYH11 is on the minus strand). VCF-style: chr16-15823423-G-T. GRCh37 (hg19) VCF-style: chr16-15917280-G-T.
Other names: c.346-12C>A (NM_022844.3, NM_001040114.2, NM_001040113.2).
Identifiers: ClinVar variation 924998 (VCV000924998.5), dbSNP rs2043470235, ClinGen allele CA1139664560.